The following is an entry in ClinVar:

ClinVar aggregate classification (germline): Conflicting classifications of pathogenicity. Review status: criteria provided, conflicting classifications (1 of 4 stars). 19 submissions from 19 submitters: Pathogenic (6); Likely pathogenic (11); Uncertain significance (1). 1 of the submissions does not count toward it. Last evaluated 2026-10-10.

Conditions:
SLC5A2-related disorder. Also called: SLC5A2-related condition.
Familial renal glucosuria (GLYS). Also called: Familial renal glycosuria; RENAL GLUCOSURIA, AUTOSOMAL DOMINANT. Identifiers: Orphanet 69076, MedGen C3245525, MONDO:0009297, OMIM 233100.

Allele frequency attached by ClinVar (database versions not stated): gnomAD 0.00014 and 0.00018; TOPMed 0.00024; gnomAD exomes 0.00026 and 0.00031; ESP Exome Variant Server 0.00031; ExAC 0.00035.
gnomAD v4.1: 414 of 1,605,770 alleles (0.026%); highest among the groups gnomAD compares: South Asian, 0.072%; 1 homozygote.

Submissions (20):

GeneDx
Classification: Uncertain significance. Last evaluated: 2026-10-10. Review status: criteria provided, single submitter. Criteria: GeneDx Variant Classification Process June 2021. Collection method: clinical testing. Allele origin: germline.
Comment: Observed with a second variant in patients with glucosuria referred for genetic testing at GeneDx and in published literature; phase is not known in some cases (PMID: 18622023, 14569097, 37349938, 39835717, 36938085); In silico analysis supports a deleterious effect on splicing; This variant is associated with the following publications: (PMID: 30609409, 10653324, 9101293, 34426522, 27666404, 3658675, 18622023, 36938085, 39835717, 37349938, 14569097, Liao2026[preprint], Kurt2025[casereport])

OLLIN Analises Genomicas, OLLIN
Classification: Likely pathogenic. Last evaluated: 2026-08-06. Review status: criteria provided, single submitter. Criteria: ACMG Guidelines 2015 PMID 25741868. Collection method: clinical testing. Allele origin: germline.
Comment: This variant, has been reported in ClinVar (accession VCV000632249.31), in gnomAD with an allele frequency of 0.026%, and in the scientific literature, segregating with the phenotype and in compound heterozygosity, in individuals with SLC5A2 related disorders (PMID: 14569097, 18622023, 27666404). According to the currently available evidence, this variant has been classified as likely pathogenic (PS4_M, PM2_P, PM3, PP1, PP3).

PreventionGenetics, part of Exact Sciences
Classification: Pathogenic for SLC5A2-related condition. Last evaluated: 2026-08-05. Review status: criteria provided, single submitter. Criteria: ACMG Guidelines, 2015. Collection method: clinical testing. Allele origin: germline.
Comment: The SLC5A2 c.885+5G>A variant is predicted to interfere with splicing. This variant has been reported in multiple individuals with autosomal dominant and/or autosomal recessive renal glucosuria (reported as IVS7+5G>A, Santer et al. 2003. PubMed ID: 14569097; Calado et al. 2008. PubMed ID: 18622023). This variant is reported in 0.15% of alleles in individuals of Ashkenazi Jewish descent in gnomAD. This variant is interpreted as pathogenic.

CeGaT Center for Human Genetics Tuebingen
Classification: Likely pathogenic. Last evaluated: 2025-10-01. Review status: criteria provided, single submitter. Criteria: CeGaT Center For Human Genetics Tuebingen Variant Classification Criteria Version 2. Collection method: clinical testing. Allele origin: germline. Affected: yes. Observed: 1 variant allele.
Comment: SLC5A2: PM3:Strong, PM2:Supporting, PP3

Revvity Omics, Revvity
Classification: Likely pathogenic for Familial renal glucosuria. Last evaluated: 2025-01-29. Review status: criteria provided, single submitter. Criteria: ACMG Guidelines, 2015. Collection method: clinical testing. Allele origin: germline.

Blueprint Genetics
Classification: Pathogenic for SLC5A2-related disorders. Last evaluated: 2024-11-06. Review status: criteria provided, single submitter. Criteria: ACMG Guidelines, 2015. Collection method: clinical testing. Allele origin: germline. Affected: yes. Observed: 5 variant alleles.

Genomic Medicine Center of Excellence, King Faisal Specialist Hospital and Research Centre
Classification: Likely pathogenic for Familial renal glucosuria. Last evaluated: 2024-04-04. Review status: criteria provided, single submitter. Criteria: ACMG Guidelines, 2015. Collection method: clinical testing. Allele origin: germline.

Institute of Human Genetics Munich, TUM University Hospital
Classification: Likely pathogenic for Familial renal glucosuria. Last evaluated: 2024-04-02. Review status: criteria provided, single submitter. Criteria: Classification criteria August 2017. Collection method: clinical testing. Allele origin: germline. Inheritance: Autosomal dominant inheritance. Affected: yes. Observed: 1 variant allele.

Breakthrough Genomics
Classification: Likely pathogenic for Familial renal glucosuria. Last evaluated: 2023-05-11. Review status: criteria provided, single submitter. Criteria: ACMG Guidelines, 2015. Collection method: clinical testing. Allele origin: germline. Affected: yes.
Comment: This variant lies in the splice donor site, in intron 7 of the SLC5A2 gene. In silico splice prediction tools (ASSP) suggest that this variant might affect splicing due to the loss of constitutive splice site. The variant (also known as IVS7+5G>A in the literature) has been reported in 10 unrelated probands with renal glucosuria, including three probands in a homozygous state, five probands in a compound heterozygous state, and two probands in a heterozygous state. The homozygous and compound heterozygous probands and family members all exhibited a more severe phenotype; while heterozygous individuals exhibited a milder phenotype [PMID: 14569097‚ 18622023].

Clinical Genetics Laboratory, Skane University Hospital Lund
Classification: Pathogenic. Last evaluated: 2022-05-27. Review status: criteria provided, single submitter. Criteria: ACMG Guidelines, 2015. Collection method: clinical testing. Allele origin: germline. Affected: yes.

New York Genome Center
Classification: Pathogenic for Familial renal glucosuria. Last evaluated: 2022-05-17. Review status: criteria provided, single submitter. Criteria: NYGC Assertion Criteria 2020. Collection method: clinical testing. Allele origin: germline. Observed: 1 heterozygote.

HudsonAlpha Institute for Biotechnology
Classification: Likely pathogenic for Familial renal glucosuria. Last evaluated: 2021-07-29. Review status: criteria provided, single submitter. Criteria: ACMG Guidelines, 2015. Collection method: research. Allele origin: maternal. Affected: yes. Observed: 1 variant allele. Study: HudsonAlpha-AGHI-WGS.
Comment: ACMG codes:PS4M, PP1, PP3, PP4, PP5

Fulgent Genetics
Classification: Likely pathogenic for Familial renal glucosuria. Last evaluated: 2021-06-30. Review status: criteria provided, single submitter. Criteria: ACMG Guidelines, 2015. Collection method: clinical testing. Allele origin: unknown.
Comment: This variant has been detected in individual(s) who were sent for testing of Renasight - kidney gene panel.

Laboratorio de Genetica e Diagnostico Molecular, Hospital Israelita Albert Einstein
Classification: Pathogenic. Last evaluated: 2020-07-02. Review status: criteria provided, single submitter. Criteria: ACMG Guidelines, 2015. Collection method: clinical testing. Allele origin: germline. Affected: yes.
Comment: ACMG classification criteria: PS4, PM2, PM3, PP1

Mendelics
Classification: Likely pathogenic for Familial renal glucosuria. Last evaluated: 2019-05-28. Review status: criteria provided, single submitter. Criteria: Mendelics Assertion Criteria 2017. Collection method: clinical testing. Allele origin: unknown.

Illumina Laboratory Services, Illumina
Classification: Pathogenic for Familial renal glucosuria. Last evaluated: 2018-10-11. Review status: criteria provided, single submitter. Criteria: ICSL Variant Classification Criteria 09 May 2019. Collection method: clinical testing. Allele origin: germline.
Comment: The SLC5A2 c.885+5G>A variant has been reported in three studies and was found in a total of 10 unrelated probands with renal glucosuria, including three probands in a homozygous state, five probands in a compound heterozygous state, and two probands in a heterozygous state (Santer et al. 2003; Calado et al. 2008; Aires et al. 2013). This variant was also identified in 21 family members of these probands, including in a homozygous state in one individual, in a compound heterozygous state in two individuals, and in a heterozygous state in 18 individuals. The homozygous and compound heterozygous probands and family members all exhibited a more severe phenotype; nine of the 20 heterozygous individuals exhibited a milder phenotype. Control data are unavailable for this variant, which is reported at a frequency of 0.00073 in the South Asian population of the Exome Aggregation Consortium. Based on the collective evidence, the c.885+5G>A variant is classified as pathogenic for renal glucosuria. This variant was observed by ICSL as part of a predisposition screen in an ostensibly healthy population.

Laboratory for Molecular Medicine, Mass General Brigham Personalized Medicine
Classification: Likely pathogenic for Familial renal glucosuria. Last evaluated: 2017-12-29. Review status: criteria provided, single submitter. Criteria: ACMG Guidelines, 2015. Collection method: clinical testing. Allele origin: germline. Inheritance: Autosomal recessive inheritance.
Comment: The c.885+5G>A (NM_003041.3) variant in SLC5A2 has been previously reported in at least 1 homozygous and 2 compound heterozygous individuals with renal glucosuria and segregated in an affected sibling (Santer 2003 and Zhao 2016). This variant has been identified in 0.162% (16/9878) of Ashkenazi Jewish chromosomes, including 1 homozygote by the Genome Aggregation Database (gnomAD; dbSNP rs200228142). Although this variant has been seen in the general population, its frequency is low enough to be consistent with a recessive carrier frequency and disease manifestations may be mild enough to be missed without clinical evaluation. This variant is located in the 5' splice region and is predicted to cause altered splicing leading to an abnormal or absent protein. Biallelic loss of function of the SLC5A2 gene has been associated with renal glucosuria. In summary, although additional studies are required to fully establish its clinical significance, the c.885+5G>A variant is likely pathogenic for renal glucosuria in an autosomal recessive manner based on its occurrence in affected individuals. ACMG/AMP Criteria applied: PM3 (upgraded to Strong based on multiple occurrences), PP1, PP3.

Juno Genomics, Hangzhou Juno Genomics, Inc
Classification: Likely pathogenic for Familial renal glucosuria. Review status: criteria provided, single submitter. Criteria: ACMG Guidelines, 2015. Collection method: clinical testing. Allele origin: germline.
Comment: Absent from controls (or at extremely low frequency if recessive) in Genome Aggregation Database.;Multiple lines of computational evidence support a deleterious effect on the gene or gene product.;The prevalence of the variant in affected individuals is significantly increased compared to the prevalence in controls.;Patient's phenotype or family history is highly specific for a disease with a single genetic etiology.

Bioscientia Institut fuer Medizinische Diagnostik GmbH, Sonic Healthcare
Classification: Likely pathogenic for Familial renal glucosuria. Last evaluated: 2020-09-07. Review status: no assertion criteria provided. Collection method: clinical testing. Allele origin: germline. Affected: yes. Not counted in ClinVar's aggregate classification.

Dr. Peter K. Rogan Lab, Western University
No classification provided (evidence only). Condition: Colorectal cancer. Review status: no classification provided. Collection method: in vitro. Allele origin: not applicable. Functional consequence: retained intron. Not counted in ClinVar's aggregate classification.

Literature cited by the submitters: PubMed 14569097 (cited by 3 submitters); PubMed 18622023 (cited by OLLIN Analises Genomicas, OLLIN and Illumina Laboratory Services, Illumina); PubMed 27666404 (cited by OLLIN Analises Genomicas, OLLIN and Laboratory for Molecular Medicine, Mass General Brigham Personalized Medicine).

NM_003041.4(SLC5A2):c.885+5G>A

Genes: SLC5A2 (solute carrier family 5 member 2; plus strand), LOC130058907 (ATAC-STARR-seq lymphoblastoid silent region 7421; plus strand). Cytogenetic location: 16p11.2.
Variant type: single nucleotide variant.
Coding change: c.885+5G>A on transcript NM_003041.4 (MANE Select); 5 bases into the intron after coding-DNA position 885, G replaced by A.
Molecular consequence: intron variant.
Genome position (GRCh38, 1-based): chr16:31,487,764, G>A. VCF-style: chr16-31487764-G-A. GRCh37 (hg19) VCF-style: chr16-31499085-G-A.
Identifiers: ClinVar variation 632249 (VCV000632249.35), dbSNP rs200228142, ClinGen allele CA8030881.